The following is an entry in ClinVar:

ClinVar aggregate classification (germline): Uncertain significance (1 of 4 stars; one submission).

Conditions:
NGLY1-related disorder. Also called: NGLY1-related condition.

gnomAD v4.1: 10 of 1,613,666 alleles (0.00062%); highest among the groups gnomAD compares: Middle Eastern, 0.016%; no homozygotes.

Submission:

PreventionGenetics, part of Exact Sciences
Classification: Uncertain significance for NGLY1-related condition. Last evaluated: 2025-09-18. Review status: criteria provided, single submitter. Criteria: ACMG Guidelines, 2015. Collection method: clinical testing. Allele origin: germline.
Comment: The NGLY1 c.1705A>G variant is predicted to result in the amino acid substitution p.Ile569Val. To our knowledge, this variant has not been reported in the literature. This variant is reported in 0.0050% of alleles in individuals of East Asian descent in gnomAD. At this time, the clinical significance of this variant is uncertain due to the absence of conclusive functional and genetic evidence.

NM_018297.4(NGLY1):c.1705A>G (p.Ile569Val)

Gene: NGLY1 (N-glycanase 1; minus strand). Cytogenetic location: 3p24.2.
Variant type: single nucleotide variant.
Coding change: c.1705A>G on transcript NM_018297.4 (MANE Select); coding-DNA position 1705, A replaced by G.
Protein change: p.Ile569Val; replaces isoleucine 569 with valine.
Molecular consequence: missense variant. On other transcripts: intron variant (1).
Genome position (GRCh38, 1-based): chr3:25,720,098, T>C on the plus strand (A>G on the coding strand, the complement: NGLY1 is on the minus strand). VCF-style: chr3-25720098-T-C. GRCh37 (hg19) VCF-style: chr3-25761589-T-C.
Other names: c.1651A>G, p.Ile551Val (NM_001145293.2); c.1579A>G, p.Ile527Val (NM_001145294.2); c.1612-463A>G (NM_001145295.2); short protein forms I551V, I527V, I569V.
Identifiers: ClinVar variation 4989984 (VCV004989984.1).
Genomic context (GRCh38, chr3:25,720,098, plus strand): 5'-TATCAGATCGCAATTTCCATTCTACTGTTCCAGTCTGAAAAGTTTGACTACTTGTTCTAA[T>C]AGAAATGCTATCTACTTTTAGGCCAACTGACCCACACTCAAACTTCCAGGAAATATAAGC-3'
Protein context (NP_060767.2, residues 559-579): SVGLKVDSIS[Ile569Val]RTSSQTFQTG